The following is an entry in ClinVar:

ClinVar aggregate classification (germline): Uncertain significance (1 of 4 stars; one submission).

Conditions:
Brachyolmia-amelogenesis imperfecta syndrome. Also called: PLATYSPONDYLY WITH AMELOGENESIS IMPERFECTA; Tooth agenesis, selective, 6; Dental anomalies and short stature. Identifiers: Orphanet 2899, MedGen C1832594, MONDO:0011018, OMIM 601216. Disease mechanism: loss of function.

Allele frequency attached by ClinVar (database versions not stated): gnomAD exomes below 0.00001.

Submission:

Labcorp Genetics (formerly Invitae), Labcorp
Classification: Uncertain significance for Brachyolmia-amelogenesis imperfecta syndrome. Last evaluated: 2023-05-14. Review status: criteria provided, single submitter. Criteria: Invitae Variant Classification Sherloc (09022015). Collection method: clinical testing. Allele origin: germline.
Comment: An algorithm developed to predict the effect of missense changes on protein structure and function (PolyPhen-2) suggests that this variant is likely to be tolerated. In summary, the available evidence is currently insufficient to determine the role of this variant in disease. Therefore, it has been classified as a Variant of Uncertain Significance. This variant has not been reported in the literature in individuals affected with LTBP3-related conditions. This variant is not present in population databases (gnomAD no frequency). This sequence change replaces proline, which is neutral and non-polar, with serine, which is neutral and polar, at codon 833 of the LTBP3 protein (p.Pro833Ser).

NM_001130144.3(LTBP3):c.2497C>T (p.Pro833Ser)

Gene: LTBP3 (latent transforming growth factor beta binding protein 3; minus strand). Cytogenetic location: 11q13.1.
Variant type: single nucleotide variant.
Coding change: c.2497C>T on transcript NM_001130144.3 (MANE Select); coding-DNA position 2497, C replaced by T.
Protein change: p.Pro833Ser; replaces proline 833 with serine.
Molecular consequence: missense variant.
Genome position (GRCh38, 1-based): chr11:65,543,204, G>A on the plus strand (C>T on the coding strand, the complement: LTBP3 is on the minus strand). VCF-style: chr11-65543204-G-A. GRCh37 (hg19) VCF-style: chr11-65310675-G-A.
Other names: c.2146C>T, p.Pro716Ser (NM_001164266.1); c.2497C>T, p.Pro833Ser (NM_021070.4); short protein forms P716S, P833S.
Identifiers: ClinVar variation 2853009 (VCV002853009.3), dbSNP rs1329655057, ClinGen allele CA381269128.